The following is an entry in ClinVar:

NM_030662.4(MAP2K2):c.1092A>G (p.Thr364=)

Gene: MAP2K2 (mitogen-activated protein kinase kinase 2; minus strand). Cytogenetic location: 19p13.3.
Variant type: single nucleotide variant.
Coding change: c.1092A>G on transcript NM_030662.4 (MANE Select); coding-DNA position 1092, A replaced by G.
Protein change: p.Thr364=; no amino-acid change (threonine 364 retained).
Molecular consequence: synonymous variant.
Genome position (GRCh38, 1-based): chr19:4,094,453, T>C on the plus strand (A>G on the coding strand, the complement: MAP2K2 is on the minus strand). VCF-style: chr19-4094453-T-C. GRCh37 (hg19) VCF-style: chr19-4094451-T-C.
Identifiers: ClinVar variation 514650 (VCV000514650.2), dbSNP rs779378237, ClinGen allele CA9090704.
Genomic context (GRCh38, chr19:4,094,453, plus strand): 5'-CCTGGGGCCTGGGTGGCAGCCTGCACCCTCCCGGTCCCAGAACCCGCTGGCATCACTCAC[T>C]GTGAGCATCTTCAGGTCCGCCCGCTCCGCTGGGTTCTTGATGAGGCTGGGGGTTCCAAGA-3'
Protein context (NP_109587.1, residues 354-374): PAERADLKML[Thr364=]NHTFIKRSEV

ClinVar aggregate classification (germline): Likely benign. Review status: criteria provided, multiple submitters, no conflicts (2 of 4 stars). 2 submissions from 2 submitters: Likely benign (2). Last evaluated 2021-04-08.

Allele frequency attached by ClinVar (database versions not stated): ExAC 0.00004; gnomAD exomes 0.00001.
gnomAD v4.1: 3 of 1,562,978 alleles (0.00019%); highest among the groups gnomAD compares: South Asian, 0.0012%; no homozygotes.

Submissions (2):

Women's Health and Genetics/Laboratory Corporation of America, LabCorp
Classification: Likely benign. Last evaluated: 2021-04-08. Review status: criteria provided, single submitter. Criteria: LabCorp Variant Classification Summary - May 2015. Collection method: clinical testing. Allele origin: germline.
Comment: Variant summary: MAP2K2 c.1092A>G (p.Thr364Thr) alters a conserved nucleotide located close to a canonical splice site and therefore could affect mRNA splicing, leading to a significantly altered protein sequence. 4/4 computational tools predict no significant impact on normal splicing. However, these predictions have yet to be confirmed by functional studies. The variant allele was found at a frequency of 5.7e-06 in 173960 control chromosomes. The available data on variant occurrences in the general population are insufficient to allow any conclusion about variant significance. To our knowledge, no occurrence of c.1092A>G in individuals affected with Cardiofaciocutaneous Syndrome and no experimental evidence demonstrating its impact on protein function have been reported. One clinical diagnostic laboratory has submitted clinical-significance assessments for this variant to ClinVar after 2014 without evidence for independent evaluation. One laboratory classified the variant as likely benign. Based on the evidence outlined above, the variant was classified as likely benign.

GeneDx
Classification: Likely benign. Last evaluated: 2018-01-10. Review status: criteria provided, single submitter. Criteria: GeneDx Variant Classification (06012015). Collection method: clinical testing. Allele origin: germline. Affected: yes.
Comment: This variant is considered likely benign or benign based on one or more of the following criteria: it is a conservative change, it occurs at a poorly conserved position in the protein, it is predicted to be benign by multiple in silico algorithms, and/or has population frequency not consistent with disease.